The following is an entry in ClinVar:

NM_001009999.3(KDM1A):c.2452C>T (p.Pro818Ser)

Gene: KDM1A (lysine demethylase 1A; plus strand). Cytogenetic location: 1p36.12.
Variant type: single nucleotide variant.
Coding change: c.2452C>T on transcript NM_001009999.3 (MANE Select); coding-DNA position 2452, C replaced by T.
Protein change: p.Pro818Ser; replaces proline 818 with serine.
Molecular consequence: missense variant. On other transcripts: 3 prime UTR variant (1).
Genome position (GRCh38, 1-based): chr1:23,083,185, C>T. VCF-style: chr1-23083185-C-T. GRCh37 (hg19) VCF-style: chr1-23409678-C-T.
Other names: c.2398C>T, p.Pro800Ser (NM_001363654.2); c.2458C>T, p.Pro820Ser (NM_001410762.1); c.*700C>T (NM_001410763.1); c.2380C>T, p.Pro794Ser (NM_015013.4); short protein forms P794S, P820S, P800S, P818S.
Identifiers: ClinVar variation 3781004 (VCV003781004.1).
Genomic context (GRCh38, chr1:23,083,185, plus strand): 5'-AAGAATAAAGGTATATGTGCAGCCTGCCAATTTTCTCTTTTTCCCCTAAAATAGCCGATT[C>T]CACGACTCTTCTTTGCGGGAGAACATACGATCCGTAACTACCCAGCCACAGTGCATGGTG-3'
Protein context (NP_001009999.1, residues 808-828): PSIPGAPQPI[Pro818Ser]RLFFAGEHTI

ClinVar aggregate classification (germline): Uncertain significance (1 of 4 stars; one submission).

gnomAD v4.1: 1 of 1,609,064 alleles (0.000062%); highest among the groups gnomAD compares: Non-Finnish European, 0.000085%; no homozygotes.

Submission:

GeneDx
Classification: Uncertain significance. Last evaluated: 2024-10-15. Review status: criteria provided, single submitter. Criteria: GeneDx Variant Classification Process June 2021. Collection method: clinical testing. Allele origin: germline. Affected: yes.
Comment: Not observed at significant frequency in large population cohorts (gnomAD); In silico analysis supports that this missense variant has a deleterious effect on protein structure/function; Has not been previously published as pathogenic or benign to our knowledge; This variant is associated with the following publications: (PMID: 27535533)